The following is an entry in ClinVar:

ClinVar aggregate classification (germline): Uncertain significance (1 of 4 stars; one submission).

Conditions:
Hereditary cancer-predisposing syndrome. Also called: Neoplastic Syndromes, Hereditary; Hereditary neoplastic syndrome; Tumor predisposition; Hereditary Cancer Syndrome. Identifiers: Orphanet 140162, MedGen C0027672, MeSH D009386, MONDO:0015356.

Submission:

Ambry Genetics
Classification: Uncertain significance for Hereditary cancer-predisposing syndrome. Last evaluated: 2026-01-25. Review status: criteria provided, single submitter. Criteria: Ambry Variant Classification Scheme 2023. Collection method: clinical testing. Allele origin: germline.
Comment: The p.E1439D variant (also known as c.4317A>T), located in coding exon 22 of the DICER1 gene, results from an A to T substitution at nucleotide position 4317. The glutamic acid at codon 1439 is replaced by aspartic acid, an amino acid with highly similar properties. This amino acid position is conserved. In addition, this alteration is predicted to be tolerated by in silico analysis. Based on the available evidence, the clinical significance of this variant remains unclear.

NM_177438.3(DICER1):c.4317A>T (p.Glu1439Asp)

Gene: DICER1 (dicer 1, ribonuclease III; minus strand). Cytogenetic location: 14q32.13.
Variant type: single nucleotide variant.
Coding change: c.4317A>T on transcript NM_177438.3 (MANE Select); coding-DNA position 4317, A replaced by T.
Protein change: p.Glu1439Asp; replaces glutamic acid 1439 with aspartic acid.
Molecular consequence: missense variant. On other transcripts: non-coding transcript variant (6).
Genome position (GRCh38, 1-based): chr14:95,096,603, T>A on the plus strand (A>T on the coding strand, the complement: DICER1 is on the minus strand). VCF-style: chr14-95096603-T-A. GRCh37 (hg19) VCF-style: chr14-95562940-T-A.
Other names: c.4317A>T, p.Glu1439Asp (NM_001195573.1, NM_001271282.3, NM_001291628.2 and 12 more transcripts); c.4035A>T, p.Glu1345Asp (NM_001395686.1); c.3912A>T, p.Glu1304Asp (NM_001395687.1, NM_001395688.1, NM_001395689.1 and 2 more transcripts); c.3750A>T, p.Glu1250Asp (NM_001395691.1); c.2634A>T, p.Glu878Asp (NM_001395697.1); short protein forms E1250D, E878D, E1345D, E1439D, E1304D.
Identifiers: ClinVar variation 4824637 (VCV004824637.1).